The following is an entry in ClinVar:

ClinVar aggregate classification (germline): Uncertain significance (1 of 4 stars; one submission).

Submission:

CeGaT Center for Human Genetics Tuebingen
Classification: Uncertain significance. Last evaluated: 2025-08-01. Review status: criteria provided, single submitter. Criteria: CeGaT Center For Human Genetics Tuebingen Variant Classification Criteria Version 2. Collection method: clinical testing. Allele origin: germline. Affected: yes. Observed: 1 variant allele.
Comment: TTN: PM2

NM_001267550.2(TTN):c.60007C>T (p.Arg20003Cys)

Genes: TTN (titin; minus strand), TTN-AS1 (TTN antisense RNA 1; plus strand), LOC126806424 (CDK7 strongly-dependent group 2 enhancer GRCh37_chr2:179456337-179457536; plus strand). Cytogenetic location: 2q31.2.
Variant type: single nucleotide variant.
Coding change: c.60007C>T on transcript NM_001267550.2 (MANE Select); coding-DNA position 60007, C replaced by T.
Protein change: p.Arg20003Cys; replaces arginine 20003 with cysteine.
Molecular consequence: missense variant.
Genome position (GRCh38, 1-based): chr2:178,591,812, G>A on the plus strand (C>T on the coding strand, the complement: TTN is on the minus strand). VCF-style: chr2-178591812-G-A. GRCh37 (hg19) VCF-style: chr2-179456539-G-A.
Other names: c.55084C>T, p.Arg18362Cys (NM_001256850.1); c.32812C>T, p.Arg10938Cys (NM_003319.4); c.52303C>T, p.Arg17435Cys (NM_133378.4); c.33187C>T, p.Arg11063Cys (NM_133432.3); c.33388C>T, p.Arg11130Cys (NM_133437.4); short protein forms R10938C, R11063C, R11130C, R17435C, R18362C, R20003C.
Identifiers: ClinVar variation 4084708 (VCV004084708.8).